The following is an entry in ClinVar:

NM_014003.4(DHX38):c.3304C>T (p.His1102Tyr)

Gene: DHX38 (DEAH-box helicase 38; plus strand). Cytogenetic location: 16q22.2.
Variant type: single nucleotide variant.
Coding change: c.3304C>T on transcript NM_014003.4 (MANE Select); coding-DNA position 3304, C replaced by T.
Protein change: p.His1102Tyr; replaces histidine 1102 with tyrosine.
Molecular consequence: missense variant.
Genome position (GRCh38, 1-based): chr16:72,108,848, C>T. VCF-style: chr16-72108848-C-T. GRCh37 (hg19) VCF-style: chr16-72142747-C-T.
Other names: short protein forms H1102Y.
Identifiers: ClinVar variation 1485815 (VCV001485815.8), dbSNP rs1597448535, ClinGen allele CA396716687.
Genomic context (GRCh38, chr16:72,108,848, plus strand): 5'-TCTCCTCCCTAGGGAATCGGGGAGTACGTGAACATCCGCACAGGGATGCCCTGCCACTTG[C>T]ACCCCACCAGCTCCCTTTTTGGAATGGGCTACACCCCAGATTACATAGTGTATCACGAGT-3'
Protein context (NP_054722.2, residues 1092-1112): NIRTGMPCHL[His1102Tyr]PTSSLFGMGY

ClinVar aggregate classification (germline): Uncertain significance (1 of 4 stars; one submission).

Allele frequency attached by ClinVar (database versions not stated): TOPMed below 0.00001.

Submission:

Labcorp Genetics (formerly Invitae), Labcorp
Classification: Uncertain significance. Last evaluated: 2022-02-05. Review status: criteria provided, single submitter. Criteria: Invitae Variant Classification Sherloc (09022015). Collection method: clinical testing. Allele origin: germline.
Comment: This variant has not been reported in the literature in individuals affected with DHX38-related conditions. Algorithms developed to predict the effect of missense changes on protein structure and function (SIFT, PolyPhen-2, Align-GVGD) all suggest that this variant is likely to be disruptive. In summary, the available evidence is currently insufficient to determine the role of this variant in disease. Therefore, it has been classified as a Variant of Uncertain Significance. This variant is not present in population databases (gnomAD no frequency). This sequence change replaces histidine, which is basic and polar, with tyrosine, which is neutral and polar, at codon 1102 of the DHX38 protein (p.His1102Tyr).